The following is an entry in ClinVar:

NM_000419.5(ITGA2B):c.1946+3G>T

Gene: ITGA2B (integrin subunit alpha 2b; minus strand). Cytogenetic location: 17q21.31.
Variant type: single nucleotide variant.
Coding change: c.1946+3G>T on transcript NM_000419.5 (MANE Select); 3 bases into the intron after coding-DNA position 1946, G replaced by T.
Molecular consequence: intron variant.
Genome position (GRCh38, 1-based): chr17:44,378,640, C>A on the plus strand (G>T on the coding strand, the complement: ITGA2B is on the minus strand). VCF-style: chr17-44378640-C-A. GRCh37 (hg19) VCF-style: chr17-42456008-C-A.
Other names: NM_000419.5:c.1946+3G>T; NC_000017.10:g.42456008C>A; c.1946+3G>T (NM_000419.4).
Identifiers: ClinVar variation 2498360 (VCV002498360.6), dbSNP rs1182502058, ClinGen allele CA626121071.

ClinVar aggregate classification (germline): Likely pathogenic. Review status: reviewed by expert panel (3 of 4 stars). 3 submissions from 3 submitters: Likely pathogenic (1). 2 of the submissions do not count toward it. Last evaluated 2025-12-16.

Conditions:
Glanzmann thrombasthenia 1 (GT1). Also called: GP IIb-IIIa COMPLEX DEFICIENCY; GLYCOPROTEIN COMPLEX IIb-IIIa DEFICIENCY; PLATELET FIBRINOGEN RECEPTOR DEFICIENCY; BLEEDING DISORDER, PLATELET-TYPE, 2. Identifiers: MedGen CN300358, MONDO:0031332, OMIM 273800.
Glanzmann thrombasthenia. Also called: Glanzmann's thrombasthenia; THROMBASTHENIA OF GLANZMANN AND NAEGELI; PLATELET GLYCOPROTEIN IIb-IIIa DEFICIENCY; Thrombasthenia. Identifiers: Orphanet 849, MedGen C0040015, MONDO:0100326.

Allele frequency attached by ClinVar (database versions not stated): gnomAD 0.00001; gnomAD exomes 0.00002.
gnomAD v4.1: 30 of 1,566,678 alleles (0.0019%); highest among the groups gnomAD compares: Non-Finnish European, 0.0025%; no homozygotes.

Submissions (4):

ClinGen Platelet Disorders Variant Curation Expert Panel, ClinGen
Classification: Likely pathogenic for Glanzmann thrombasthenia. Last evaluated: 2025-12-16. Review status: reviewed by expert panel. Criteria: ClinGen Platelet ACMG Specifications v2-1. Collection method: curation. Allele origin: germline. Inheritance: Autosomal recessive inheritance.
Comment: The NM_000419.5(ITGA2B):c.1946+3G>T variant is a splice region variant located in intron 19. The highest population minor allele frequency in gnomAD v4.1 is 0.000025 (29/1155402 alleles) in the European (non-Finnish) genetic ancestry group, which is lower than the ClinGen PD VCEP threshold (<0.0001; PM2_Supporting). Two probands (GT65, GT34 of PMID:25728920) with this variant presented with significant mucocutaneous bleeding and platelet aggregometry demonstrated absence of platelet aggregation with 3 platelet agonists and normal aggregation with ristocetin. A reduced (<5%) surface expression of αIIbβ3 was demonstrated by flow cytometry (PP4_strong). Sanger sequencing ensured coverage of exons and splice sites of the ITGA2B and ITGB3 genes as well as untranslated regions. The c.1946+3G>T variant on ITGA2B is present in compound heterozygous state (GT65) with another splice donor variant c.574+1G>A , which has been previously classified as pathogenic by the PD-VCEP. (PM3_supporting). This variant meets criteria for PP4_strong, PM2_supporting, and PM3_supporting , and has been classified as likely pathogenic for Glanzmann thrombasthenia based on ACMG/AMP criteria specified by the Platelet Disorders VCEP.

Labcorp Genetics (formerly Invitae), Labcorp
Classification: Likely pathogenic for Glanzmann thrombasthenia. Last evaluated: 2025-03-12. Review status: criteria provided, single submitter. Criteria: Invitae Variant Classification Sherloc (09022015). Collection method: clinical testing. Allele origin: germline. Not counted in ClinVar's aggregate classification.
Comment: This sequence change falls in intron 19 of the ITGA2B gene. It does not directly change the encoded amino acid sequence of the ITGA2B protein. It affects a nucleotide within the consensus splice site. This variant is not present in population databases (gnomAD no frequency). This variant has been observed in individuals with autosomal recessive Glanzmann thrombasthenia (PMID: 25728920). ClinVar contains an entry for this variant (Variation ID: 2498360). Studies have shown that this variant alters ITGA2B gene expression (PMID: 25728920). Variants that disrupt the consensus splice site are a relatively common cause of aberrant splicing (PMID: 17576681, 9536098). Algorithms developed to predict the effect of sequence changes on RNA splicing suggest that this variant may disrupt the consensus splice site. In summary, the currently available evidence indicates that the variant is pathogenic, but additional data are needed to prove that conclusively. Therefore, this variant has been classified as Likely Pathogenic.

Women's Health and Genetics/Laboratory Corporation of America, LabCorp
Classification: Likely pathogenic for Glanzmann thrombasthenia 1. Last evaluated: 2023-09-01. Review status: criteria provided, single submitter. Criteria: LabCorp Variant Classification Summary - May 2015. Collection method: clinical testing. Allele origin: germline. Not counted in ClinVar's aggregate classification.
Comment: Variant summary: ITGA2B c.1946+3G>T alters a conserved nucleotide located close to a canonical splice site and therefore could affect mRNA splicing, leading to a significantly altered protein sequence. Several computational tools predict a significant impact on normal splicing: Two predict the variant abolishes a 5 splicing donor site. However, these predictions have yet to be confirmed by functional studies. The variant was absent in 175102 control chromosomes (gnomAD). c.1946+3G>T has been reported in the literature in individuals affected with Glanzmann thrombasthenia 1 (Nurden_2015). These data indicate that the variant may be associated with disease. To our knowledge, no experimental evidence demonstrating an impact on protein function has been reported. The following publications have been ascertained in the context of this evaluation (PMID: 25728920, 27469266, 29385657). One submitter (ClinGen Platelet Disorders Variant Curation Expert Panel, ClinGen) has cited clinical-significance assessments for this variant to ClinVar after 2014 and has classified the variant as likely pathogenic. Based on the evidence outlined above, the variant was classified as likely pathogenic.

Dr. Peter K. Rogan Lab, Western University
No classification provided (evidence only). Condition: Lung cancer. Review status: no classification provided. Collection method: in vitro. Allele origin: not applicable. Functional consequence: retained intron. Not counted in ClinVar's aggregate classification.

Literature cited by the submitters: PubMed 25728920 (cited by Labcorp Genetics (formerly Invitae), Labcorp and Women's Health and Genetics/Laboratory Corporation of America, LabCorp); PubMed 17576681 (cited by Labcorp Genetics (formerly Invitae), Labcorp); PubMed 9536098 (cited by Labcorp Genetics (formerly Invitae), Labcorp); PubMed 27469266 (cited by Women's Health and Genetics/Laboratory Corporation of America, LabCorp); PubMed 29385657 (cited by Women's Health and Genetics/Laboratory Corporation of America, LabCorp).